The following is an entry in ClinVar:

ClinVar aggregate classification (germline): Uncertain significance (1 of 4 stars; one submission).

Conditions:
Cardiovascular phenotype. Identifiers: MedGen CN230736.

Submission:

Ambry Genetics
Classification: Uncertain significance for Cardiovascular phenotype. Last evaluated: 2023-01-01. Review status: criteria provided, single submitter. Criteria: Ambry Variant Classification Scheme 2023. Collection method: clinical testing. Allele origin: germline.
Comment: The p.V363E variant (also known as c.1088T>A), located in coding exon 6 of the LCAT gene, results from a T to A substitution at nucleotide position 1088. The valine at codon 363 is replaced by glutamic acid, an amino acid with dissimilar properties. This amino acid position is conserved. In addition, the in silico prediction for this alteration is inconclusive. Since supporting evidence is limited at this time, the clinical significance of this alteration remains unclear.

NM_000229.2(LCAT):c.1088T>A (p.Val363Glu)

Gene: LCAT (lecithin-cholesterol acyltransferase; minus strand). Cytogenetic location: 16q22.1.
Variant type: single nucleotide variant.
Coding change: c.1088T>A on transcript NM_000229.2 (MANE Select); coding-DNA position 1088, T replaced by A.
Protein change: p.Val363Glu; replaces valine 363 with glutamic acid.
Molecular consequence: missense variant.
Genome position (GRCh38, 1-based): chr16:67,940,139, A>T on the plus strand (T>A on the coding strand, the complement: LCAT is on the minus strand). VCF-style: chr16-67940139-A-T. GRCh37 (hg19) VCF-style: chr16-67974042-A-T.
Other names: short protein forms V363E.
Identifiers: ClinVar variation 2452824 (VCV002452824.2), dbSNP rs2544402793, ClinGen allele CA396375713.